The following is an entry in ClinVar:

NC_000022.10:g.(?_17662373)_(17690567_?)dup

Gene: ADA2 (adenosine deaminase 2; minus strand). Cytogenetic location: 22q11.1.
Variant type: Duplication.
Identifiers: ClinVar variation 1399825 (VCV001399825.6).

ClinVar aggregate classification (germline): Uncertain significance (1 of 4 stars; one submission).

Conditions:
Deficiency of adenosine deaminase 2. Also called: VASCULITIS, AUTOINFLAMMATION, IMMUNODEFICIENCY, AND HEMATOLOGIC DEFECTS SYNDROME; Polyarteritis nodosa, childhoood-onset; Adenosine Deaminase 2 Deficiency. Identifiers: Orphanet 404553, MedGen C3887654, MONDO:0014306, OMIM 615688, MONDO:0100317.

Submission:

Labcorp Genetics (formerly Invitae), Labcorp
Classification: Uncertain significance for Deficiency of adenosine deaminase 2. Last evaluated: 2022-10-13. Review status: criteria provided, single submitter. Criteria: Invitae Variant Classification Sherloc (09022015). Collection method: clinical testing. Allele origin: germline.
Comment: A copy number gain of the genomic region encompassing the full coding sequence of the ADA2 gene has been identified. The boundaries of this event are unknown as they extend beyond the assayed region for this gene and therefore may encompass additional genes. As the precise location of this event is unknown, it may be in tandem or it may be located elsewhere in the genome. Isolated whole-gene copy number gains of ADA2 have not been reported in the literature. However, larger copy number events that include this gene have been reported (PMID: 22929023). In summary, the available evidence is currently insufficient to determine the role of this variant in disease. Therefore, it has been classified as a Variant of Uncertain Significance.

Literature cited by the submitters: PubMed 22929023.